The following is an entry in ClinVar:

NM_015910.7(WDPCP):c.388C>A (p.Leu130Ile)

Gene: WDPCP (WD repeat containing planar cell polarity effector; minus strand). Cytogenetic location: 2p15.
Variant type: single nucleotide variant.
Coding change: c.388C>A on transcript NM_015910.7 (MANE Select); coding-DNA position 388, C replaced by A.
Protein change: p.Leu130Ile; replaces leucine 130 with isoleucine.
Molecular consequence: missense variant. On other transcripts: non-coding transcript variant (2).
Genome position (GRCh38, 1-based): chr2:63,439,868, G>T on the plus strand (C>A on the coding strand, the complement: WDPCP is on the minus strand). VCF-style: chr2-63439868-G-T. GRCh37 (hg19) VCF-style: chr2-63667002-G-T.
Other names: c.316C>A, p.Leu106Ile (NM_001354044.2); c.388C>A, p.Leu130Ile (NM_001354045.2); short protein forms L106I, L130I.
Identifiers: ClinVar variation 3344981 (VCV003344981.1).

ClinVar aggregate classification (germline): Uncertain significance (0 of 4 stars; one submission).

Conditions:
WDPCP-related disorder. Also called: WDPCP-related condition.

Submission:

PreventionGenetics, part of Exact Sciences
Classification: Uncertain significance for WDPCP-related condition. Last evaluated: 2024-05-15. Review status: no assertion criteria provided. Collection method: clinical testing. Allele origin: germline.
Comment: The WDPCP c.388C>A variant is predicted to result in the amino acid substitution p.Leu130Ile. To our knowledge, this variant has not been reported in the literature or in a large population database, indicating this variant is rare. At this time, the clinical significance of this variant is uncertain due to the absence of conclusive functional and genetic evidence.